The following is an entry in ClinVar:

ClinVar aggregate classification (germline): Likely benign. Review status: criteria provided, multiple submitters, no conflicts (2 of 4 stars). 2 submissions from 2 submitters: Likely benign (2). Last evaluated 2025-02-18.

Conditions:
EPM2A-related disorder. Also called: EPM2A-related condition.

Submissions (2):

PreventionGenetics, part of Exact Sciences
Classification: Likely benign for EPM2A-related condition. Last evaluated: 2025-02-18. Review status: criteria provided, single submitter. Criteria: ACMG Guidelines, 2015. Collection method: clinical testing. Allele origin: germline.
Comment: This variant is classified as likely benign based on ACMG/AMP sequence variant interpretation guidelines (Richards et al. 2015 PMID: 25741868, with internal and published modifications).

GeneDx
Classification: Likely benign. Last evaluated: 2017-05-26. Review status: criteria provided, single submitter. Criteria: GeneDx Variant Classification Process June 2021. Collection method: clinical testing. Allele origin: germline. Affected: yes.

NM_005670.4(EPM2A):c.*1688AG[1]

Gene: EPM2A (EPM2A glucan phosphatase, laforin; minus strand). Cytogenetic location: 6q24.3.
Variant type: Microsatellite.
Coding change: c.*1688AG[1] on transcript NM_005670.4 (MANE Select); one copy of the 2-base unit AG starting at c.*1688; the reference has two copies in a row; one copy, 2 bases deleted.
Molecular consequence: 3 prime UTR variant. On other transcripts: non-coding transcript variant (1), splice acceptor variant (1).
Genome position (GRCh38, 1-based): chr6:145,625,725-145,625,726, CT deleted on the plus strand (AG on the coding strand, the reverse complement: EPM2A is on the minus strand); deleting any 2 consecutive bases within chr6:145,625,725-145,625,728 gives the same sequence; the position shown is the placement nearest the transcript's 3' end. VCF-style (leftmost placement, unchanged base first): chr6-145625724-CCT-C. GRCh37 (hg19) VCF-style: chr6-145946860-CCT-C.
Other names: c.925-2_925-1delAG (NM_001018041.1); c.*1767AG[1] (NM_001360057.2); c.*1688AG[1] (NM_001360064.2, NM_001360071.2, NM_001368129.2 and 2 more transcripts); c.925-2_925-1del (NM_001018041.2).
Identifiers: ClinVar variation 1198769 (VCV001198769.3), dbSNP rs767212465, ClinGen allele CA4035004.
Genomic context (GRCh38, chr6:145,625,724, plus strand): 5'-AATGCTAGCTTATAAATTTAACTTTGTAAAATTATAGTGGAAATGTGTCCTGGCTAGCTG[CCT>C]CTGCCCAAAGCAAATGTCATCTCCCCTAAGTGCCACAGTTCTATCTCCCCGTCCTCTGAG-3'